The following is an entry in ClinVar:

ClinVar aggregate classification (germline): Pathogenic. Review status: criteria provided, multiple submitters, no conflicts (2 of 4 stars). 3 submissions from 3 submitters: Pathogenic (3). Last evaluated 2025-08-12.

Conditions:
Hereditary cancer-predisposing syndrome. Also called: Neoplastic Syndromes, Hereditary; Tumor predisposition; Hereditary Cancer Syndrome; Hereditary neoplastic syndrome. Identifiers: Orphanet 140162, MedGen C0027672, MeSH D009386, MONDO:0015356.
Familial cancer of breast. Also called: hereditary breast carcinoma; BREAST CANCER, FAMILIAL; Hereditary breast cancer. Identifiers: Orphanet 227535, MedGen C0346153, MONDO:0016419, OMIM 114480. Disease mechanism: loss of function.

Submissions (3):

Ambry Genetics
Classification: Pathogenic for Hereditary cancer-predisposing syndrome. Last evaluated: 2025-08-12. Review status: criteria provided, single submitter. Criteria: Ambry Variant Classification Scheme 2023. Collection method: clinical testing. Allele origin: germline.
Comment: The p.Y424* pathogenic mutation (also known as c.1272T>G), located in coding exon 11 of the CHEK2 gene, results from a T to G substitution at nucleotide position 1272. This changes the amino acid from a tyrosine to a stop codon within coding exon 11. This variant is considered to be rare based on population cohorts in the Genome Aggregation Database (gnomAD). This alteration is expected to result in loss of function by premature protein truncation or nonsense-mediated mRNA decay. As such, this alteration is interpreted as a disease-causing mutation.

Labcorp Genetics (formerly Invitae), Labcorp
Classification: Pathogenic for Familial cancer of breast. Last evaluated: 2025-04-24. Review status: criteria provided, single submitter. Criteria: Invitae Variant Classification Sherloc (09022015). Collection method: clinical testing. Allele origin: germline.
Comment: This sequence change creates a premature translational stop signal (p.Tyr424*) in the CHEK2 gene. It is expected to result in an absent or disrupted protein product. Loss-of-function variants in CHEK2 are known to be pathogenic (PMID: 21876083, 24713400). This variant is not present in population databases (gnomAD no frequency). This variant has not been reported in the literature in individuals affected with CHEK2-related conditions. ClinVar contains an entry for this variant (Variation ID: 1765856). For these reasons, this variant has been classified as Pathogenic.

Myriad Genetics, Inc.
Classification: Pathogenic for Familial cancer of breast. Last evaluated: 2023-06-28. Review status: criteria provided, single submitter. Criteria: Myriad Autosomal Dominant, Autosomal Recessive and X-Linked Classification Criteria (2023). Collection method: clinical testing. Allele origin: unknown.
Comment: This variant is considered pathogenic. This variant creates a termination codon and is predicted to result in premature protein truncation.

Literature cited by the submitters: PubMed 21876083 (cited by Labcorp Genetics (formerly Invitae), Labcorp); PubMed 24713400 (cited by Labcorp Genetics (formerly Invitae), Labcorp).

NM_007194.4(CHEK2):c.1272T>G (p.Tyr424Ter)

Gene: CHEK2 (checkpoint kinase 2; minus strand). Cytogenetic location: 22q12.1.
Variant type: single nucleotide variant.
Coding change: c.1272T>G on transcript NM_007194.4 (MANE Select); coding-DNA position 1272, T replaced by G.
Protein change: p.Tyr424Ter; replaces tyrosine 424 with a stop codon.
Molecular consequence: nonsense.
Genome position (GRCh38, 1-based): chr22:28,695,230, A>C on the plus strand (T>G on the coding strand, the complement: CHEK2 is on the minus strand). VCF-style: chr22-28695230-A-C. GRCh37 (hg19) VCF-style: chr22-29091218-A-C.
Other names: c.1401T>G, p.Tyr467Ter (NM_001005735.3); c.609T>G, p.Tyr203Ter (NM_001257387.3); c.1071T>G, p.Tyr357Ter (NM_001349956.3); c.1185T>G, p.Tyr395Ter (NM_145862.3); short protein forms Y357*, Y424*, Y203*, Y395*, Y467*.
Identifiers: ClinVar variation 1765856 (VCV001765856.7), dbSNP rs1257494163, ClinGen allele CA411096306.
Genomic context (GRCh38, chr22:28,695,230, plus strand): 5'-TTTTCCACTGGTGATCTGATCCTTCAGTGACACTTGAGTCCTATGCTCAGAGAAAGGTGG[A>C]TACCCACTAAGGCTTAATATTGGTAGAGAGAGAAAGGAAAAGAAATCAAGTGGCATTCTC-3'